The following is an entry in ClinVar:

NM_017654.4(SAMD9):c.1174C>A (p.Pro392Thr)

Gene: SAMD9 (sterile alpha motif domain containing 9; minus strand). Cytogenetic location: 7q21.2.
Variant type: single nucleotide variant.
Coding change: c.1174C>A on transcript NM_017654.4 (MANE Select); coding-DNA position 1174, C replaced by A.
Protein change: p.Pro392Thr; replaces proline 392 with threonine.
Molecular consequence: missense variant.
Genome position (GRCh38, 1-based): chr7:93,104,924, G>T on the plus strand (C>A on the coding strand, the complement: SAMD9 is on the minus strand). VCF-style: chr7-93104924-G-T. GRCh37 (hg19) VCF-style: chr7-92734237-G-T.
Other names: c.1174C>A, p.Pro392Thr (NM_001193307.2); short protein forms P392T.
Identifiers: ClinVar variation 4824687 (VCV004824687.1).
Genomic context (GRCh38, chr7:93,104,924, plus strand): 5'-GTTCATAGTATGAATTATCTAACAAATCTTGATTTCCTGTCAATAATTTAACCAACTTTG[G>T]TCCCTCTCTTTCTTTTTTATTTGTTTTTGCTCTGAATTTTTCTTCTGCTGCTTTTCTGGA-3'
Protein context (NP_060124.2, residues 382-402): AKTNKKEREG[Pro392Thr]KLVKLLTGNQ

ClinVar aggregate classification (germline): Uncertain significance (1 of 4 stars; one submission).

Conditions:
Inborn genetic diseases. Identifiers: MedGen C0950123, MeSH D030342.

Submission:

Ambry Genetics
Classification: Uncertain significance for Inborn genetic diseases. Last evaluated: 2026-01-25. Review status: criteria provided, single submitter. Criteria: Ambry Variant Classification Scheme 2023. Collection method: clinical testing. Allele origin: germline.
Comment: The p.P392T variant (also known as c.1174C>A), located in coding exon 1 of the SAMD9 gene, results from a C to A substitution at nucleotide position 1174. The proline at codon 392 is replaced by threonine, an amino acid with highly similar properties. This amino acid position is conserved. In addition, this alteration is predicted to be tolerated by in silico analysis. Based on the available evidence, the clinical significance of this variant remains unclear.